The following is an entry in ClinVar:

NM_001103.4(ACTN2):c.1930G>A (p.Ala644Thr)

Gene: ACTN2 (actinin alpha 2; plus strand). Cytogenetic location: 1q43.
Variant type: single nucleotide variant.
Coding change: c.1930G>A on transcript NM_001103.4 (MANE Select); coding-DNA position 1930, G replaced by A.
Protein change: p.Ala644Thr; replaces alanine 644 with threonine.
Molecular consequence: missense variant.
Genome position (GRCh38, 1-based): chr1:236,754,037, G>A. VCF-style: chr1-236754037-G-A. GRCh37 (hg19) VCF-style: chr1-236917337-G-A.
Other names: p.A644T:GCC>ACC; c.1930G>A, p.Ala644Thr (NM_001278343.2); c.1306G>A, p.Ala436Thr (NM_001278344.2); short protein forms A644T, A436T.
Identifiers: ClinVar variation 43920 (VCV000043920.63), dbSNP rs146164600, ClinGen allele CA133160.

ClinVar aggregate classification (germline): Conflicting classifications of pathogenicity. Review status: criteria provided, conflicting classifications (1 of 4 stars). 12 submissions from 12 submitters: Uncertain significance (8); Likely benign (3). 1 of the submissions does not count toward it. Last evaluated 2026-09-01.

Conditions:
Dilated cardiomyopathy 1AA (CMD1AA). Also called: Cardiomyopathy, dilated, 1AA, with or without LVNC; CARDIOMYOPATHY, DILATED, 1AA, WITH OR WITHOUT LEFT VENTRICULAR NONCOMPACTION; CARDIOMYOPATHY, FAMILIAL HYPERTROPHIC, 23, WITH OR WITHOUT LEFT VENTRICULAR NONCOMPACTION. Identifiers: Orphanet 154, MedGen C2677338, MONDO:0012808, OMIM 612158.
Myopathy, congenital, with structured cores and z-line abnormalities. Also called: MULTIPLE STRUCTURED CORE DISEASE; CONGENITAL MYOPATHY 8. Identifiers: MedGen C5231445, MONDO:0032852, OMIM 618654.
Myopathy, distal, 6, adult-onset, autosomal dominant. Identifiers: MedGen C5203349, MONDO:0032853, OMIM 618655.
Cardiovascular phenotype. Identifiers: MedGen CN230736.
Cardiomyopathy (CMYO). Also called: Cardiomyopathies. Identifiers: Orphanet 167848, MedGen C0878544, MONDO:0004994, HP:0001638. Inheritance: Various modes of inheritance.
Tetralogy of Fallot (TOF). Identifiers: Orphanet 3303, MedGen C0039685, MONDO:0008542, OMIM 187500, HP:0001636.
Primary familial hypertrophic cardiomyopathy (HCM). Identifiers: Orphanet 99739, MedGen C0949658, MeSH D024741, MONDO:0024573. Inheritance: Various modes of inheritance.

Allele frequency attached by ClinVar (database versions not stated): gnomAD exomes 0.00015 and 0.00016; gnomAD 0.00013 and 0.00014; TOPMed 0.00021; ExAC 0.00023; ESP Exome Variant Server 0.00038.
gnomAD v4.1: 237 of 1,613,984 alleles (0.015%); highest among the groups gnomAD compares: Non-Finnish European, 0.018%; no homozygotes.

Submissions (12):

CeGaT Center for Human Genetics Tuebingen
Classification: Uncertain significance. Last evaluated: 2026-09-01. Review status: criteria provided, single submitter. Criteria: CeGaT Center For Human Genetics Tuebingen Variant Classification Criteria Version 2. Collection method: clinical testing. Allele origin: germline. Affected: yes. Observed: 2 variant alleles.

Labcorp Genetics (formerly Invitae), Labcorp
Classification: Likely benign for Primary familial hypertrophic cardiomyopathy; Dilated cardiomyopathy 1AA. Last evaluated: 2026-01-19. Review status: criteria provided, single submitter. Criteria: Invitae Variant Classification Sherloc (09022015). Collection method: clinical testing. Allele origin: germline.

Molecular Diagnostic Laboratory for Inherited Cardiovascular Disease, Montreal Heart Institute
Classification: Likely benign. Last evaluated: 2025-04-08. Review status: criteria provided, single submitter. Criteria: ACMG Guidelines, 2015. Collection method: clinical testing. Allele origin: germline. Affected: no.
Comment: BS1, BP4

GeneDx
Classification: Uncertain significance. Last evaluated: 2025-02-26. Review status: criteria provided, single submitter. Criteria: GeneDx Variant Classification Process June 2021. Collection method: clinical testing. Allele origin: germline. Affected: yes.
Comment: In silico analysis indicates that this missense variant does not alter protein structure/function; Reported in patients with cardiomyopathy in the published literature (PMID: 20022194, 24503780, 32527005, 35626289); This variant is associated with the following publications: (PMID: 24503780, 32527005, 35626289, 28771489, 20022194)

Blueprint Genetics
Classification: Likely benign. Last evaluated: 2024-09-03. Review status: criteria provided, single submitter. Criteria: ACMG Guidelines, 2015. Collection method: clinical testing. Allele origin: germline.

Ambry Genetics
Classification: Uncertain significance for Cardiovascular phenotype. Last evaluated: 2022-09-13. Review status: criteria provided, single submitter. Criteria: Ambry Variant Classification Scheme 2023. Collection method: clinical testing. Allele origin: germline.

Mayo Clinic Laboratories, Mayo Clinic
Classification: Uncertain significance. Last evaluated: 2022-04-08. Review status: criteria provided, single submitter. Criteria: ACMG Guidelines, 2015. Collection method: clinical testing. Allele origin: germline. Observed: 4 variant alleles.
Comment: BP4

CHEO Genetics Diagnostic Laboratory, Children's Hospital of Eastern Ontario
Classification: Uncertain significance for Cardiomyopathy. Last evaluated: 2021-12-02. Review status: criteria provided, single submitter. Criteria: ACMG Guidelines, 2015. Collection method: clinical testing. Allele origin: germline. Study: Canadian Open Genetics Repository.

Fulgent Genetics
Classification: Uncertain significance for Dilated cardiomyopathy 1AA; Myopathy, congenital, with structured cores and z-line abnormalities; Myopathy, distal, 6, adult-onset, autosomal dominant. Last evaluated: 2021-08-12. Review status: criteria provided, single submitter. Criteria: ACMG Guidelines, 2015. Collection method: clinical testing. Allele origin: unknown.

Illumina Laboratory Services, Illumina
Classification: Uncertain significance for Dilated cardiomyopathy 1AA. Last evaluated: 2017-04-27. Review status: criteria provided, single submitter. Criteria: ICSL Variant Classification Criteria 13 December 2019. Collection method: clinical testing. Allele origin: germline.
Comment: This variant was observed as part of a predisposition screen in an ostensibly healthy population. A literature search was performed for the gene, cDNA change, and amino acid change (where applicable). Publications were found based on this search. However, the evidence from the literature, in combination with allele frequency data from public databases where available, was not sufficient to rule this variant in or out of causing disease. Therefore, this variant is classified as a variant of unknown significance.

Laboratory for Molecular Medicine, Mass General Brigham Personalized Medicine
Classification: Uncertain significance. Last evaluated: 2010-06-14. Review status: criteria provided, single submitter. Criteria: LMM Criteria. Collection method: clinical testing. Allele origin: germline. Observed: 2 variant alleles.
Comment: The Ala644Thr variant has been reported in one proband with HCM. Although the va riant was absent from 520 control chromosomes, the authors classified it as ?ben ign? due to its presence in unaffected family members. However, no clinical deta ils are available (Chiu 2009). Alanine (Ala) at position 644 is not completely c onserved across different species (frog carries a glycine), reducing the likelih ood that a change is pathogenic. Provided th at the diagnosis of primary DCM has been firmly established, the presence of a v ariant in HCM and DCM probands reduces the likelihood that it is pathogenic as t he two cardiomyopathies are caused by different defects at the cellular level. In summary, the clinical significance of this variant cannot be determined witho ut additional studies.

Clinical Molecular Genetics Laboratory, Johns Hopkins All Children's Hospital
Classification: Uncertain significance for Tetralogy of Fallot. Last evaluated: 2017-02-27. Review status: no assertion criteria provided. Collection method: clinical testing. Allele origin: germline. Affected: yes. Not counted in ClinVar's aggregate classification.

Literature cited by the submitters: PubMed 20022194 (cited by Illumina Laboratory Services, Illumina and Laboratory for Molecular Medicine, Mass General Brigham Personalized Medicine).